The following is an entry in ClinVar:

NM_015909.4(NBAS):c.3958A>G (p.Ser1320Gly)

Gene: NBAS (NBAS subunit of NRZ tethering complex; minus strand). Cytogenetic location: 2p24.3.
Variant type: single nucleotide variant.
Coding change: c.3958A>G on transcript NM_015909.4 (MANE Select); coding-DNA position 3958, A replaced by G.
Protein change: p.Ser1320Gly; replaces serine 1320 with glycine.
Molecular consequence: missense variant. On other transcripts: non-coding transcript variant (1).
Genome position (GRCh38, 1-based): chr2:15,353,684, T>C on the plus strand (A>G on the coding strand, the complement: NBAS is on the minus strand). VCF-style: chr2-15353684-T-C. GRCh37 (hg19) VCF-style: chr2-15493808-T-C.
Other names: short protein forms S1320G.
Identifiers: ClinVar variation 1959866 (VCV001959866.4), dbSNP rs559655377, ClinGen allele CA1535828.

ClinVar aggregate classification (germline): Uncertain significance (1 of 4 stars; one submission).

Allele frequency attached by ClinVar (database versions not stated): gnomAD exomes below 0.00001; TOPMed 0.00002; 1000 Genomes Project 0.00020; ExAC 0.00001; 1000 Genomes Project 30x 0.00016; gnomAD 0.00001.
gnomAD v4.1: 3 of 1,614,012 alleles (0.00019%); highest among the groups gnomAD compares: Admixed American, 0.0033%; no homozygotes.

Submission:

Labcorp Genetics (formerly Invitae), Labcorp
Classification: Uncertain significance. Last evaluated: 2025-03-19. Review status: criteria provided, single submitter. Criteria: Invitae Variant Classification Sherloc (09022015). Collection method: clinical testing. Allele origin: germline.
Comment: This sequence change replaces serine, which is neutral and polar, with glycine, which is neutral and non-polar, at codon 1320 of the NBAS protein (p.Ser1320Gly). The frequency data for this variant in the population databases is considered unreliable, as metrics indicate poor data quality at this position in the gnomAD database. This variant has not been reported in the literature in individuals affected with NBAS-related conditions. ClinVar contains an entry for this variant (Variation ID: 1959866). Invitae Evidence Modeling of protein sequence and biophysical properties (such as structural, functional, and spatial information, amino acid conservation, physicochemical variation, residue mobility, and thermodynamic stability) indicates that this missense variant is not expected to disrupt NBAS protein function with a negative predictive value of 95%. In summary, the available evidence is currently insufficient to determine the role of this variant in disease. Therefore, it has been classified as a Variant of Uncertain Significance.